The following is an entry in ClinVar:

ClinVar aggregate classification (germline): Uncertain significance (1 of 4 stars; one submission).

Submission:

Labcorp Genetics (formerly Invitae), Labcorp
Classification: Uncertain significance. Last evaluated: 2023-06-14. Review status: criteria provided, single submitter. Criteria: Invitae Variant Classification Sherloc (09022015). Collection method: clinical testing. Allele origin: germline.
Comment: This sequence change replaces glycine, which is neutral and non-polar, with serine, which is neutral and polar, at codon 511 of the GRIN2D protein (p.Gly511Ser). This variant is not present in population databases (gnomAD no frequency). This variant has not been reported in the literature in individuals affected with GRIN2D-related conditions. Advanced modeling of protein sequence and biophysical properties (such as structural, functional, and spatial information, amino acid conservation, physicochemical variation, residue mobility, and thermodynamic stability) performed at Invitae indicates that this missense variant is not expected to disrupt GRIN2D protein function. In summary, the available evidence is currently insufficient to determine the role of this variant in disease. Therefore, it has been classified as a Variant of Uncertain Significance.

NM_000836.4(GRIN2D):c.1531G>A (p.Gly511Ser)

Gene: GRIN2D (glutamate ionotropic receptor NMDA type subunit 2D; plus strand). Cytogenetic location: 19q13.33.
Variant type: single nucleotide variant.
Coding change: c.1531G>A on transcript NM_000836.4 (MANE Select); coding-DNA position 1531, G replaced by A.
Protein change: p.Gly511Ser; replaces glycine 511 with serine.
Molecular consequence: missense variant.
Genome position (GRCh38, 1-based): chr19:48,414,982, G>A. VCF-style: chr19-48414982-G-A. GRCh37 (hg19) VCF-style: chr19-48918239-G-A.
Other names: short protein forms G511S.
Identifiers: ClinVar variation 2713344 (VCV002713344.3), dbSNP rs2513671867, ClinGen allele CA406695801.